The following is an entry in ClinVar:

NM_001134407.3(GRIN2A):c.2816G>A (p.Gly939Glu)

Gene: GRIN2A (glutamate ionotropic receptor NMDA type subunit 2A; minus strand). Cytogenetic location: 16p13.2.
Variant type: single nucleotide variant.
Coding change: c.2816G>A on transcript NM_001134407.3 (MANE Select); coding-DNA position 2816, G replaced by A.
Protein change: p.Gly939Glu; replaces glycine 939 with glutamic acid.
Molecular consequence: missense variant.
Genome position (GRCh38, 1-based): chr16:9,764,728, C>T on the plus strand (G>A on the coding strand, the complement: GRIN2A is on the minus strand). VCF-style: chr16-9764728-C-T. GRCh37 (hg19) VCF-style: chr16-9858585-C-T.
Other names: c.2816G>A, p.Gly939Glu (NM_000833.5, NM_001134408.2); short protein forms G939E.
Identifiers: ClinVar variation 2780330 (VCV002780330.3), dbSNP rs2141136814, ClinGen allele CA394709296.
Genomic context (GRCh38, chr16:9,764,728, plus strand): 5'-TTGTCTCCAAAAATGCTCTCTTTCCCCTGAAAGGACCTGTTGTCTGAGTACATCAAATTC[C>T]CCTTATCTGAAACCATGTCCATGATGAGGGAACCTCTTTGGATGAAGTCAGCAGCTCTTT-3'
Protein context (NP_001127879.1, residues 929-949): SLIMDMVSDK[Gly939Glu]NLMYSDNRSF

ClinVar aggregate classification (germline): Uncertain significance (1 of 4 stars; one submission).

Conditions:
Landau-Kleffner syndrome (FESD). Also called: EPILEPSY, FOCAL, WITH SPEECH DISORDER AND WITH OR WITHOUT MENTAL RETARDATION; APHASIA, ACQUIRED, WITH EPILEPSY. Identifiers: Orphanet 1945, Orphanet 725, Orphanet 98818, MedGen C0282512, MONDO:0009509, OMIM 245570.

Submission:

Labcorp Genetics (formerly Invitae), Labcorp
Classification: Uncertain significance for Landau-Kleffner syndrome. Last evaluated: 2023-06-12. Review status: criteria provided, single submitter. Criteria: Invitae Variant Classification Sherloc (09022015). Collection method: clinical testing. Allele origin: germline.
Comment: This sequence change replaces glycine, which is neutral and non-polar, with glutamic acid, which is acidic and polar, at codon 939 of the GRIN2A protein (p.Gly939Glu). This variant is not present in population databases (gnomAD no frequency). This missense change has been observed in individual(s) with epileptic encephalopathy (PMID: 32712949). Advanced modeling of protein sequence and biophysical properties (such as structural, functional, and spatial information, amino acid conservation, physicochemical variation, residue mobility, and thermodynamic stability) performed at Invitae indicates that this missense variant is not expected to disrupt GRIN2A protein function. In summary, the available evidence is currently insufficient to determine the role of this variant in disease. Therefore, it has been classified as a Variant of Uncertain Significance.

Literature cited by the submitters: PubMed 32712949.